The following is an entry in ClinVar:

ClinVar aggregate classification (germline): Pathogenic/Likely pathogenic. Review status: criteria provided, multiple submitters, no conflicts (2 of 4 stars). 18 submissions from 18 submitters: Pathogenic (13); Likely pathogenic (4). 1 of the submissions does not count toward it. Last evaluated 2025-06-03.

Conditions:
ATP7B-related disorder. Also called: ATP7B-related condition.
Inborn genetic diseases. Identifiers: MedGen C0950123, MeSH D030342.
Wilson disease (WND). Also called: Wilson's disease. Identifiers: Orphanet 905, MedGen C0019202, MONDO:0010200, OMIM 277900. Disease mechanism: loss of function.

Allele frequency attached by ClinVar (database versions not stated): gnomAD exomes 0.00001; gnomAD 0.00001; TOPMed 0.00001.
gnomAD v4.1: 9 of 1,614,006 alleles (0.00056%); highest among the groups gnomAD compares: East Asian, 0.0022%; no homozygotes.

Submissions 1 to 9 of 18:

Revvity Omics, Revvity
Classification: Pathogenic for Wilson disease. Last evaluated: 2025-06-03. Review status: criteria provided, single submitter. Criteria: ACMG Guidelines, 2015. Collection method: clinical testing. Allele origin: germline.

Labcorp Genetics (formerly Invitae), Labcorp
Classification: Pathogenic for Wilson disease. Last evaluated: 2025-06-02. Review status: criteria provided, single submitter. Criteria: Invitae Variant Classification Sherloc (09022015). Collection method: clinical testing. Allele origin: germline.
Comment: This sequence change replaces glycine, which is neutral and non-polar, with serine, which is neutral and polar, at codon 1186 of the ATP7B protein (p.Gly1186Ser). RNA analysis indicates that this missense change induces altered splicing and likely results in a shortened protein product. This variant is present in population databases (rs786204547, gnomAD 0.003%). This missense change has been observed in individual(s) with Wilson's disease (PMID: 18371106, 20491539, 24010089; internal data). In at least one individual the data is consistent with being in trans (on the opposite chromosome) from a pathogenic variant. This variant is also known as p.G1187S. ClinVar contains an entry for this variant (Variation ID: 188900). An algorithm developed to predict the effect of missense changes on protein structure and function (PolyPhen-2) suggests that this variant is likely to be disruptive. Variants that disrupt the consensus splice site are a relatively common cause of aberrant splicing (PMID: 17576681, 9536098). Studies have shown that this missense change results in skipping of exon 16, but is expected to preserve the integrity of the reading-frame (PMID: 20491539). For these reasons, this variant has been classified as Pathogenic.

Genetic Services Laboratory, University of Chicago
Classification: Pathogenic. Last evaluated: 2025-03-12. Review status: criteria provided, single submitter. Criteria: ACMG Guidelines, 2015. Collection method: clinical testing. Allele origin: germline.
Comment: The c.3556G>A variant: Results in an amino acid change, p.Gly1186Ser. Affects a highly conserved amino acid residue located in a domain of the ATP7B protein that is known to be functional. In-silico pathogenicity prediction tools provide contradictory results for the p.Gly1186Ser substitution. In-silico splice prediction programs suggest a likely impact on normal splicing of the ATP7B gene, which would result in an abnormal protein. Functional studies using patient's liver RNA predicted impact on mRNA splicing by skipping of exon 16 (PMID: 20491539). Has been previously described in several individuals with Wilson disease (PMID: 1837110, 24010089, 34400371, 23556051, 22484412, 17587212, 20453399, 9452121, 35220961). Reported in the gnomAD v4 database with a frequency of 0.00055% (dbSNP rs786204547). ClinVar contains an entry for this variant (Variation ID: 188900). Collectively, this evidence indicates that this variant is pathogenic.

Natera, Inc.
Classification: Pathogenic for Wilson disease. Last evaluated: 2025-02-12. Review status: criteria provided, single submitter. Criteria: Natera Variant Classification Schema (03/2026). Collection method: clinical testing. Allele origin: germline.
Comment: The c.3556G>A variant in ATP7B is a missense variant predicted to cause substitution of glycine to serine at amino acid 1186. This variant is rare in the general population with a frequency below the threshold expected for the associated phenotype(s). This variant has been observed in one or more individuals affected with the associated recessive disease, as either homozygous or compound heterozygous with a second variant (PMID: 20491539, 25130000, 23556051). Given the available evidence, this variant is classified as Pathogenic.

Blueprint Genetics
Classification: Pathogenic for ATP7B-related disorders. Last evaluated: 2024-09-13. Review status: criteria provided, single submitter. Criteria: ACMG Guidelines, 2015. Collection method: clinical testing. Allele origin: germline. Affected: yes. Observed: 2 variant alleles.

ARUP Laboratories, Molecular Genetics and Genomics, ARUP Laboratories
Classification: Pathogenic for Wilson disease. Last evaluated: 2024-09-04. Review status: criteria provided, single submitter. Criteria: ARUP Molecular Germline Variant Investigation Process 2024. Collection method: clinical testing. Allele origin: germline.
Comment: The ATP7B c.3556G>A; p.Gly1186Ser variant (rs786204547) is reported in the medical literature in several individuals with a clinical diagnosis of Wilson disease (Couchonnal 2021, Lepori 2012, Park 2007, Tatsumi 2010, Zhang 2022) and has been reported in Wilson disease patients with an additional pathogenic variant (Kim 2013, Okada 2010, Yamaguchi 1998). This variant is also reported in ClinVar (Variation ID: 188900) and is only observed on two alleles in the Genome Aggregation Database (v2.1.1), indicating it is not a common polymorphism. Computational analyses predict that this variant is deleterious (REVEL: 0.868). Additionally, this variant is located at the last nucleotide of exon 16 and computational splicing analyses (Alamut Visual Plus v.1.5.1) predict that this variant may impact splicing by weakening the nearby canonical donor splice site. Functional analysis of patient RNA shows skipping of exon 16 (Okada 2010). Based on available information, this variant is considered to be pathogenic. References: Couchonnal E et al. ATP7B variant spectrum in a French pediatric Wilson disease cohort. Eur J Med Genet. 2021 Oct;64(10):104305. PMID: 34400371. Kim JW et al. Genetically confirmed Wilson disease in a 9-month old boy with elevations of aminotransferases. World J Hepatol. 2013 Mar 27;5(3):156-9. PMID: 23556051. Lepori MB et al. Mutation analysis of the ATP7B gene in a new group of Wilson's disease patients: contribution to diagnosis. Mol Cell Probes. 2012 Aug;26(4):147-50. PMID: 22484412. Okada T et al. High prevalence of fulminant hepatic failure among patients with mutant alleles for truncation of ATP7B in Wilson's disease. Scand J Gastroenterol. 2010 Oct;45(10):1232-7. PMID: 20491539. Park S et al. Identification of novel ATP7B gene mutations and their functional roles in Korean patients with Wilson disease. Hum Mutat. 2007 Nov;28(11):1108-13. PMID: 17587212. Tatsumi Y et al. Current state of Wilson disease patients in central Japan. Intern Med. 2010;49(9):809-15. PMID: 20453399. Yamaguchi A et al. Mutations of ATP7B gene in Wilson disease in Japan: identification of nine mutations and lack of clear founder effect in a Japanese population. Hum Mutat. 1998;Suppl 1:S320-2. PMID: 9452121. Zhang S, Yang W, Li X, Pei P, Dong T, Yang Y, Zhang J. Clinical and genetic characterization of a large cohort of patients with Wilson's disease in China. Transl Neurodegener. 2022 Feb 28;11(1):13. PMID: 35220961.

Baylor Genetics
Classification: Pathogenic for Wilson disease. Last evaluated: 2024-02-26. Review status: criteria provided, single submitter. Criteria: ACMG Guidelines, 2015. Collection method: clinical testing. Allele origin: unknown.

Illumina Laboratory Services, Illumina
Classification: Pathogenic for Wilson disease. Last evaluated: 2024-01-30. Review status: criteria provided, single submitter. Criteria: ICSLVariantClassificationCriteria RUGD 01 April 2020. Collection method: clinical testing. Allele origin: unknown.
Comment: The ATP7B c.3556G>A, p.(Gly1186Ser) missense variant has been identified in a homozygous or compound heterozygous state in individuals with Wilson disease (PMID: 9452121; 23556051; 25130000). This variant has also been reported in affected individuals with phase unknown (PMID: 15967699; 20453399; 29930488). This variant is not observed at a significant frequency in version 2.1.1 or version 4.0.0 of the Genome Aggregation Database. This variant occurs at the intron/exon boundary of exon 16 and is predicted to result in a splicing defect. This has been confirmed experimentally with the variant demonstrated to result in exon skipping of exon 16 in an individual with Wilson disease (PMID: 20491539). The c.3556G>A variant has been classified as pathogenic by multiple submitters in ClinVar. Based on the available evidence, the c.3556G>A, p.(Gly1186Ser) variant is classified as pathogenic for Wilson disease.

Fulgent Genetics
Classification: Pathogenic for Wilson disease. Last evaluated: 2023-12-22. Review status: criteria provided, single submitter. Criteria: ACMG Guidelines, 2015. Collection method: clinical testing. Allele origin: germline.

NM_000053.4(ATP7B):c.3556G>A (p.Gly1186Ser)

Gene: ATP7B (ATPase copper transporting beta; minus strand). Cytogenetic location: 13q14.3.
Variant type: single nucleotide variant.
Coding change: c.3556G>A on transcript NM_000053.4 (MANE Select); coding-DNA position 3556, G replaced by A.
Protein change: p.Gly1186Ser; replaces glycine 1186 with serine.
Molecular consequence: missense variant.
Genome position (GRCh38, 1-based): chr13:51,941,081, C>T on the plus strand (G>A on the coding strand, the complement: ATP7B is on the minus strand). VCF-style: chr13-51941081-C-T. GRCh37 (hg19) VCF-style: chr13-52515217-C-T.
Other names: p.Gly1186Ser; c.3223G>A, p.Gly1075Ser (NM_001243182.2); c.3322G>A, p.Gly1108Ser (NM_001330578.2); c.3304G>A, p.Gly1102Ser (NM_001330579.2); c.2935G>A, p.Gly979Ser (NM_001005918.3); short protein forms G1186S, G1075S, G1102S, G1108S, G979S.
Identifiers: ClinVar variation 188900 (VCV000188900.43), dbSNP rs786204547, ClinGen allele CA274098.